The following is an entry in ClinVar:

ClinVar aggregate classification (germline): Conflicting classifications of pathogenicity. Review status: criteria provided, conflicting classifications (1 of 4 stars). 2 submissions from 2 submitters: Uncertain significance (1); Likely benign (1). Last evaluated 2024-03-25.

Allele frequency attached by ClinVar (database versions not stated): TOPMed below 0.00001; gnomAD exomes 0.00001.
gnomAD v4.1: 4 of 1,594,172 alleles (0.00025%); highest among the groups gnomAD compares: South Asian, 0.0011%; no homozygotes.

Submissions (2):

Ambry Genetics
Classification: Likely benign. Last evaluated: 2024-03-25. Review status: criteria provided, single submitter. Criteria: Ambry Variant Classification Scheme 2023. Collection method: clinical testing. Allele origin: germline.

Labcorp Genetics (formerly Invitae), Labcorp
Classification: Uncertain significance. Last evaluated: 2023-07-16. Review status: criteria provided, single submitter. Criteria: Invitae Variant Classification Sherloc (09022015). Collection method: clinical testing. Allele origin: germline.
Comment: In summary, the available evidence is currently insufficient to determine the role of this variant in disease. Therefore, it has been classified as a Variant of Uncertain Significance. Advanced modeling of protein sequence and biophysical properties (such as structural, functional, and spatial information, amino acid conservation, physicochemical variation, residue mobility, and thermodynamic stability) performed at Invitae indicates that this missense variant is not expected to disrupt ABRAXAS1 protein function. ClinVar contains an entry for this variant (Variation ID: 1799642). This variant has not been reported in the literature in individuals affected with ABRAXAS1-related conditions. This variant is not present in population databases (gnomAD no frequency). This sequence change replaces serine, which is neutral and polar, with leucine, which is neutral and non-polar, at codon 7 of the ABRAXAS1 protein (p.Ser7Leu).

NM_139076.3(ABRAXAS1):c.20C>T (p.Ser7Leu)

Genes: ABRAXAS1 (abraxas 1, BRCA1 A complex subunit; minus strand), LOC129992784 (ATAC-STARR-seq lymphoblastoid silent region 15542; plus strand). Cytogenetic location: 4q21.23.
Variant type: single nucleotide variant.
Coding change: c.20C>T on transcript NM_139076.3 (MANE Select); coding-DNA position 20, C replaced by T.
Protein change: p.Ser7Leu; replaces serine 7 with leucine.
Molecular consequence: missense variant. On other transcripts: 5 prime UTR variant (1).
Genome position (GRCh38, 1-based): chr4:83,485,053, G>A on the plus strand (C>T on the coding strand, the complement: ABRAXAS1 is on the minus strand). VCF-style: chr4-83485053-G-A. GRCh37 (hg19) VCF-style: chr4-84406206-G-A.
Other names: c.-241C>T (NM_001345962.2); short protein forms S7L.
Identifiers: ClinVar variation 1799642 (VCV001799642.5), dbSNP rs1723136070, ClinGen allele CA357264076.